The following is an entry in ClinVar:

NM_032242.4(PLXNA1):c.4443G>A (p.Thr1481=)

Gene: PLXNA1 (plexin A1; plus strand). Cytogenetic location: 3q21.3.
Variant type: single nucleotide variant.
Coding change: c.4443G>A on transcript NM_032242.4 (MANE Select); coding-DNA position 4443, G replaced by A.
Protein change: p.Thr1481=; no amino-acid change (threonine 1481 retained).
Molecular consequence: synonymous variant.
Genome position (GRCh38, 1-based): chr3:127,028,020, G>A. VCF-style: chr3-127028020-G-A. GRCh37 (hg19) VCF-style: chr3-126746863-G-A.
Identifiers: ClinVar variation 3356606 (VCV003356606.1).

ClinVar aggregate classification (germline): Uncertain significance (0 of 4 stars; one submission).

Conditions:
PLXNA1-related disorder. Also called: PLXNA1-related condition.

gnomAD v4.1: 7 of 1,614,026 alleles (0.00043%); highest among the groups gnomAD compares: African/African-American, 0.0013%; no homozygotes.

Submission:

PreventionGenetics, part of Exact Sciences
Classification: Uncertain significance for PLXNA1-related condition. Last evaluated: 2023-10-31. Review status: no assertion criteria provided. Collection method: clinical testing. Allele origin: germline.
Comment: The PLXNA1 c.4443G>A variant is not predicted to result in an amino acid change (p.=). To our knowledge, this variant has not been reported in the literature or in a large population database, indicating this variant is rare. At this time, the clinical significance of this variant is uncertain due to the absence of conclusive functional and genetic evidence.